The following is an entry in ClinVar:

NM_006946.4(SPTBN2):c.1653+5C>T

Gene: SPTBN2 (spectrin beta, non-erythrocytic 2; minus strand). Cytogenetic location: 11q13.2.
Variant type: single nucleotide variant.
Coding change: c.1653+5C>T on transcript NM_006946.4 (MANE Select); 5 bases into the intron after coding-DNA position 1653, C replaced by T.
Molecular consequence: intron variant.
Genome position (GRCh38, 1-based): chr11:66,707,511, G>A on the plus strand (C>T on the coding strand, the complement: SPTBN2 is on the minus strand). VCF-style: chr11-66707511-G-A. GRCh37 (hg19) VCF-style: chr11-66474982-G-A.
Other names: c.1674+5C>T (NM_001411025.1).
Identifiers: ClinVar variation 3376874 (VCV003376874.1).

ClinVar aggregate classification (germline): Uncertain significance (1 of 4 stars; one submission).

Conditions:
Spinocerebellar ataxia type 5 (SCA5). Identifiers: Orphanet 98766, MedGen C0752123, MONDO:0010848, OMIM 600224.

Submission:

Victorian Clinical Genetics Services, Murdoch Childrens Research Institute
Classification: Uncertain significance for Spinocerebellar ataxia type 5. Last evaluated: 2023-12-21. Review status: criteria provided, single submitter. Criteria: ACMG Guidelines, 2015. Collection method: clinical testing. Allele origin: germline. Inheritance: Autosomal dominant inheritance.
Comment: Based on the classification scheme VCGS_Germline_v1.3.4, this variant is classified as VUS-3A. Following criteria are met: 0103 - Dominant negative is a known mechanism of disease in this gene and is associated with autosomal dominant spinocerebellar ataxia 5 (MIM#600224; PMID: 31617442, PMID: 31066025). Loss of function is a known mechanism of disease in this gene and is associated with autosomal recessive spinocerebellar ataxia 14 (MIM#615386; PMID: 23236289, PMID: 31617442, PMID: 31066025). (I) 0108 - This gene is associated with both recessive and dominant disease. Heterozygous missense and in frame deletion variants in SPTBN2 have been associated with autosomal dominant spinocerebellar ataxia type 5 (MIM#600224; PMID: 31617442, PMID: 31066025). Biallelic loss of function variants have been associated with autosomal recessive spinocerebellar ataxia 14 (MIM#615386; PMID: 23236289, PMID: 31617442, PMID: 31066025). (I) 0212 - Non-canonical splice site variant without proven consequence on splicing (no functional evidence available). (SP) 0251 - This variant is heterozygous. (I) 0301 - Variant is absent from gnomAD (both v2 and v3). (SP) 0506 - Abnormal splicing is not predicted and nucleotide is poorly conserved. (SB) 0705 - No comparable non canonical splice variants have previous evidence for pathogenicity. (I) 0807 - This variant has no previous evidence of pathogenicity. (I) 0905 - No published segregation evidence has been identified for this variant. (I) 1007 - No published functional evidence has been identified for this variant. (SP) Legend: (SP) - Supporting pathogenic, (I) - Information, (SB) - Supporting benign

Literature cited by the submitters: PubMed 23236289; PubMed 31066025; PubMed 31617442.